The following is an entry in ClinVar:

ClinVar aggregate classification (germline): Uncertain significance (1 of 4 stars; one submission).

Conditions:
Cardiomyopathy (CMYO). Also called: Cardiomyopathies. Identifiers: Orphanet 167848, MedGen C0878544, MONDO:0004994, HP:0001638. Inheritance: Various modes of inheritance.

Submission:

Color Diagnostics, LLC DBA Color Health
Classification: Uncertain significance for Cardiomyopathy. Last evaluated: 2023-12-04. Review status: criteria provided, single submitter. Criteria: ACMG Guidelines, 2015. Collection method: clinical testing. Allele origin: germline.
Comment: Variant of Uncertain Significance due to insufficient evidence: This missense variant replaces tyrosine with histidine at codon 659 of the PKP2 protein. Computational prediction tools and conservation analyses are inconclusive regarding the impact of this variant on the protein function. Computational splicing tools suggest that this variant may not impact RNA splicing. To our knowledge, functional assays have not been performed for this variant nor has this variant been reported in individuals affected with cardiovascular disorders in the literature. This variant is rare in the general population and has been identified in 0/277264 chromosomes by the Genome Aggregation Database (gnomAD). Available evidence is insufficient to determine the pathogenicity of this variant conclusively.

NM_001005242.3(PKP2):c.1843T>C (p.Tyr615His)

Gene: PKP2 (plakophilin 2; minus strand). Cytogenetic location: 12p11.21.
Variant type: single nucleotide variant.
Coding change: c.1843T>C on transcript NM_001005242.3 (MANE Select); coding-DNA position 1843, T replaced by C.
Protein change: p.Tyr615His; replaces tyrosine 615 with histidine.
Molecular consequence: missense variant.
Genome position (GRCh38, 1-based): chr12:32,821,526, A>G on the plus strand (T>C on the coding strand, the complement: PKP2 is on the minus strand). VCF-style: chr12-32821526-A-G. GRCh37 (hg19) VCF-style: chr12-32974460-A-G.
Other names: c.1975T>C, p.Tyr659His (NM_004572.4); short protein forms Y615H, Y659H.
Identifiers: ClinVar variation 923538 (VCV000923538.5), dbSNP rs1221180761, ClinGen allele CA384362427.
Genomic context (GRCh38, chr12:32,821,526, plus strand): 5'-GCCACAGCCACTCCACGCCCTTGGGGTTGCTCTTTTCCTCCGGCATCGGCACGTCCTGGT[A>G]TTGCTGACCACACACAAAAGGAATCCAGAATTAATGCATGTCAGGTGATGGCTATAATTT-3'
Protein context (NP_001005242.2, residues 605-625): GSRSRKVKEQ[Tyr615His]QDVPMPEEKS